The following is an entry in ClinVar:

ClinVar aggregate classification (germline): Uncertain significance. Review status: criteria provided, multiple submitters, no conflicts (2 of 4 stars). 3 submissions from 3 submitters: Uncertain significance (3). Last evaluated 2025-11-01.

Conditions:
MYO6-related disorder. Also called: MYO6-related condition; MYO6-related disorders.

Allele frequency attached by ClinVar (database versions not stated): ExAC 0.00005; gnomAD 0.00006 and 0.00007; gnomAD exomes 0.00006; TOPMed 0.00006; ESP Exome Variant Server 0.00008.
gnomAD v4.1: 92 of 1,608,530 alleles (0.0057%); highest among the groups gnomAD compares: East Asian, 0.018%; no homozygotes.

Submissions (3):

PreventionGenetics, part of Exact Sciences
Classification: Uncertain significance for MYO6-related condition. Last evaluated: 2025-11-01. Review status: criteria provided, single submitter. Criteria: ACMG Guidelines, 2015. Collection method: clinical testing. Allele origin: germline.
Comment: The MYO6 c.3269A>G variant is predicted to result in the amino acid substitution p.Asn1090Ser. To our knowledge, this variant has not been reported in the literature. This variant is reported in 0.011% of alleles in individuals of East Asian descent in gnomAD. At this time, the clinical significance of this variant is uncertain due to the absence of conclusive functional and genetic evidence.

Labcorp Genetics (formerly Invitae), Labcorp
Classification: Uncertain significance. Last evaluated: 2023-11-18. Review status: criteria provided, single submitter. Criteria: Invitae Variant Classification Sherloc (09022015). Collection method: clinical testing. Allele origin: germline.
Comment: This sequence change replaces asparagine, which is neutral and polar, with serine, which is neutral and polar, at codon 1090 of the MYO6 protein (p.Asn1090Ser). This variant is present in population databases (rs368097606, gnomAD 0.01%). This variant has not been reported in the literature in individuals affected with MYO6-related conditions. ClinVar contains an entry for this variant (Variation ID: 1201713). Advanced modeling of protein sequence and biophysical properties (such as structural, functional, and spatial information, amino acid conservation, physicochemical variation, residue mobility, and thermodynamic stability) performed at Invitae indicates that this missense variant is expected to disrupt MYO6 protein function with a positive predictive value of 80%. In summary, the available evidence is currently insufficient to determine the role of this variant in disease. Therefore, it has been classified as a Variant of Uncertain Significance.

GeneDx
Classification: Uncertain significance. Last evaluated: 2022-06-21. Review status: criteria provided, single submitter. Criteria: GeneDx Variant Classification Process June 2021. Collection method: clinical testing. Allele origin: germline. Affected: yes.
Comment: In silico analysis supports that this missense variant has a deleterious effect on protein structure/function; Has not been previously published as pathogenic or benign to our knowledge

NM_004999.4(MYO6):c.3269A>G (p.Asn1090Ser)

Gene: MYO6 (myosin VI; plus strand). Cytogenetic location: 6q14.1.
Variant type: single nucleotide variant.
Coding change: c.3269A>G on transcript NM_004999.4 (MANE Select); coding-DNA position 3269, A replaced by G.
Protein change: p.Asn1090Ser; replaces asparagine 1090 with serine.
Molecular consequence: missense variant. On other transcripts: non-coding transcript variant (1).
Genome position (GRCh38, 1-based): chr6:75,907,697, A>G. VCF-style: chr6-75907697-A-G. GRCh37 (hg19) VCF-style: chr6-76617414-A-G.
Other names: c.3200A>G, p.Asn1067Ser (NM_001300899.2, NM_001368136.1); c.3257A>G, p.Asn1086Ser (NM_001368137.1); c.3185A>G, p.Asn1062Ser (NM_001368138.1); c.3296A>G, p.Asn1099Ser (NM_001368865.1, NM_001368866.1); short protein forms N1062S, N1067S, N1086S, N1090S, N1099S.
Identifiers: ClinVar variation 1201713 (VCV001201713.12), dbSNP rs368097606, ClinGen allele CA3897644.
Genomic context (GRCh38, chr6:75,907,697, plus strand): 5'-CTGGTACTAAGAAATATGATCTTAGTAAATGGAAATATGCAGAACTACGTGATACCATCA[A>G]TACTTCTTGTGGTAAGTGTTTGGAGAAGATCAAAAATAGAAAATGTTCATAGTGATAGGT-3'
Protein context (NP_004990.3, residues 1080-1100): WKYAELRDTI[Asn1090Ser]TSCDIELLAA